The following is an entry in ClinVar:

ClinVar aggregate classification (germline): Uncertain significance (1 of 4 stars; one submission).

Submission:

Ambry Genetics
Classification: Uncertain significance. Last evaluated: 2024-10-14. Review status: criteria provided, single submitter. Criteria: Ambry Variant Classification Scheme 2023. Collection method: clinical testing. Allele origin: germline.
Comment: The p.R722I variant (also known as c.2165G>T), located in coding exon 14 of the RINT1 gene, results from a G to T substitution at nucleotide position 2165. The arginine at codon 722 is replaced by isoleucine, an amino acid with similar properties. This amino acid position is conserved. In addition, this alteration is predicted to be deleterious by in silico analysis. Based on the available evidence, the clinical significance of this variant remains unclear.

NM_021930.6(RINT1):c.2165G>T (p.Arg722Ile)

Genes: EFCAB10 (EF-hand calcium binding domain 10; minus strand), RINT1 (RAD50 interactor 1; plus strand). Cytogenetic location: 7q22.3.
Variant type: single nucleotide variant.
Coding change: c.2165G>T on transcript NM_021930.6 (MANE Select); coding-DNA position 2165, G replaced by T.
Protein change: p.Arg722Ile; replaces arginine 722 with isoleucine.
Molecular consequence: missense variant. On other transcripts: non-coding transcript variant (1), intron variant (3).
Genome position (GRCh38, 1-based): chr7:105,565,627, G>T. VCF-style: chr7-105565627-G-T. GRCh37 (hg19) VCF-style: chr7-105206074-G-T.
Other names: c.1931G>T, p.Arg644Ile (NM_001346599.2); c.1142G>T, p.Arg381Ile (NM_001346600.2, NM_001346603.2); c.1241G>T, p.Arg414Ile (NM_001346601.2); c.360-180C>A (NM_001355531.2); c.384-180C>A (NM_001355526.2); c.384-12C>A (NM_001355530.2); short protein forms R414I, R722I, R381I, R644I.
Identifiers: ClinVar variation 3433635 (VCV003433635.1).